The following is an entry in ClinVar:

ClinVar aggregate classification (germline): Uncertain significance. Review status: criteria provided, multiple submitters, no conflicts (2 of 4 stars). 3 submissions from 3 submitters: Uncertain significance (3). Last evaluated 2025-08-23.

Conditions:
Fanconi anemia (FA). Also called: Fanconi's anemia. Identifiers: Orphanet 84, MedGen C0015625, MeSH D005199, MONDO:0019391.
Fanconi anemia complementation group P. Also called: SLX4-Related Fanconi Anemia. Identifiers: Orphanet 84, MedGen C3469542, MONDO:0013499, OMIM 613951.

Allele frequency attached by ClinVar (database versions not stated): gnomAD exomes 0.00002 and 0.00003; ExAC 0.00003; gnomAD 0.00003; TOPMed 0.00003.
gnomAD v4.1: 31 of 1,583,508 alleles (0.002%); highest among the groups gnomAD compares: Non-Finnish European, 0.0024%; no homozygotes.

Submissions (3):

Labcorp Genetics (formerly Invitae), Labcorp
Classification: Uncertain significance for Fanconi anemia. Last evaluated: 2025-08-23. Review status: criteria provided, single submitter. Criteria: Invitae Variant Classification Sherloc (09022015). Collection method: clinical testing. Allele origin: germline.
Comment: This sequence change replaces alanine, which is neutral and non-polar, with threonine, which is neutral and polar, at codon 586 of the SLX4 protein (p.Ala586Thr). The frequency data for this variant in the population databases is considered unreliable, as metrics indicate poor data quality at this position in the gnomAD database. This variant has not been reported in the literature in individuals affected with SLX4-related conditions. ClinVar contains an entry for this variant (Variation ID: 843683). An algorithm developed to predict the effect of missense changes on protein structure and function outputs the following: PolyPhen-2: "Probably Damaging". The threonine amino acid residue is found in multiple mammalian species, which suggests that this missense change does not adversely affect protein function. In summary, the available evidence is currently insufficient to determine the role of this variant in disease. Therefore, it has been classified as a Variant of Uncertain Significance.

Fulgent Genetics
Classification: Uncertain significance for Fanconi anemia complementation group P. Last evaluated: 2021-08-02. Review status: criteria provided, single submitter. Criteria: ACMG Guidelines, 2015. Collection method: clinical testing. Allele origin: unknown.

Illumina Laboratory Services, Illumina
Classification: Uncertain significance for Fanconi anemia complementation group P. Last evaluated: 2017-09-19. Review status: criteria provided, single submitter. Criteria: ICSL Variant Classification Criteria 13 December 2019. Collection method: clinical testing. Allele origin: germline.

NM_032444.4(SLX4):c.1756G>A (p.Ala586Thr)

Gene: SLX4 (SLX4 structure-specific endonuclease subunit; minus strand). Cytogenetic location: 16p13.3.
Variant type: single nucleotide variant.
Coding change: c.1756G>A on transcript NM_032444.4 (MANE Select); coding-DNA position 1756, G replaced by A.
Protein change: p.Ala586Thr; replaces alanine 586 with threonine.
Molecular consequence: missense variant.
Genome position (GRCh38, 1-based): chr16:3,596,321, C>T on the plus strand (G>A on the coding strand, the complement: SLX4 is on the minus strand). VCF-style: chr16-3596321-C-T. GRCh37 (hg19) VCF-style: chr16-3646322-C-T.
Other names: short protein forms A586T.
Identifiers: ClinVar variation 843683 (VCV000843683.11), dbSNP rs764210911, ClinGen allele CA7866414.
Genomic context (GRCh38, chr16:3,596,321, plus strand): 5'-GGCTGGCCGAAGGCGACGGGCCCCTGGAGCCACAGCCTGCAGTGGGGGTGCCGTGGAGAG[C>T]GGGTGACCTTCGCTCGCTCAGCTCTGAGTGCTCAGGTGGCACCAGAGGCGGCACGGGCTC-3'
Protein context (NP_115820.2, residues 576-596): HSELSERRSP[Ala586Thr]LHGTPTAGCG